The following is an entry in ClinVar:

NM_001430.5(EPAS1):c.947A>T (p.Tyr316Phe)

Gene: EPAS1 (endothelial PAS domain protein 1; plus strand). Cytogenetic location: 2p21.
Variant type: single nucleotide variant.
Coding change: c.947A>T on transcript NM_001430.5 (MANE Select); coding-DNA position 947, A replaced by T.
Protein change: p.Tyr316Phe; replaces tyrosine 316 with phenylalanine.
Molecular consequence: missense variant.
Genome position (GRCh38, 1-based): chr2:46,375,750, A>T. VCF-style: chr2-46375750-A-T. GRCh37 (hg19) VCF-style: chr2-46602889-A-T.
Other names: short protein forms Y316F.
Identifiers: ClinVar variation 1767086 (VCV001767086.2), dbSNP rs2546470239, ClinGen allele CA346702781.

ClinVar aggregate classification (germline): Uncertain significance (1 of 4 stars; one submission).

Conditions:
Inborn genetic diseases. Identifiers: MedGen C0950123, MeSH D030342.

Submission:

Ambry Genetics
Classification: Uncertain significance for Inborn genetic diseases. Last evaluated: 2023-11-10. Review status: criteria provided, single submitter. Criteria: Ambry Variant Classification Scheme 2023. Collection method: clinical testing. Allele origin: germline.
Comment: The p.Y316F variant (also known as c.947A>T), located in coding exon 8 of the EPAS1 gene, results from an A to T substitution at nucleotide position 947. The tyrosine at codon 316 is replaced by phenylalanine, an amino acid with highly similar properties. This amino acid position is conserved. In addition, this alteration is predicted to be tolerated by in silico analysis. Since supporting evidence is limited at this time, the clinical significance of this alteration remains unclear.